The following is an entry in ClinVar:

ClinVar aggregate classification (germline): Uncertain significance. Review status: criteria provided, multiple submitters, no conflicts (2 of 4 stars). 3 submissions from 3 submitters: Uncertain significance (3). Last evaluated 2026-02-23.

Submissions (3):

GeneDx
Classification: Uncertain significance. Last evaluated: 2026-02-23. Review status: criteria provided, single submitter. Criteria: GeneDx Variant Classification Process June 2021. Collection method: clinical testing. Allele origin: germline.
Comment: Not observed at significant frequency in large population cohorts (gnomAD); In silico analysis suggests that this missense variant does not alter protein structure/function; Has not been previously published as pathogenic or benign to our knowledge

Women's Health and Genetics/Laboratory Corporation of America, LabCorp
Classification: Uncertain significance. Last evaluated: 2024-08-22. Review status: criteria provided, single submitter. Criteria: LabCorp Variant Classification Summary - May 2015. Collection method: clinical testing. Allele origin: germline.
Comment: Variant summary: GATA5 c.328G>A (p.Gly110Ser) results in a non-conservative amino acid change located in the GATA-type transcription activator, N-terminal domain (IPR008013) of the encoded protein sequence. Three of five in-silico tools predict a benign effect of the variant on protein function. The frequency data for this variant in gnomAD is considered unreliable, as metrics indicate poor data quality at this position. To our knowledge, no occurrence of c.328G>A in individuals affected with Congenital Heart Defects, Multiple Types, 5 and no experimental evidence demonstrating its impact on protein function have been reported. ClinVar contains an entry for this variant (Variation ID: 2868576). Based on the evidence outlined above, the variant was classified as uncertain significance.

Labcorp Genetics (formerly Invitae), Labcorp
Classification: Uncertain significance. Last evaluated: 2024-01-30. Review status: criteria provided, single submitter. Criteria: Invitae Variant Classification Sherloc (09022015). Collection method: clinical testing. Allele origin: germline.
Comment: This sequence change replaces glycine, which is neutral and non-polar, with serine, which is neutral and polar, at codon 110 of the GATA5 protein (p.Gly110Ser). This variant is not present in population databases (gnomAD no frequency). This variant has not been reported in the literature in individuals affected with GATA5-related conditions. Advanced modeling of protein sequence and biophysical properties (such as structural, functional, and spatial information, amino acid conservation, physicochemical variation, residue mobility, and thermodynamic stability) performed at Invitae indicates that this missense variant is not expected to disrupt GATA5 protein function with a negative predictive value of 80%. In summary, the available evidence is currently insufficient to determine the role of this variant in disease. Therefore, it has been classified as a Variant of Uncertain Significance.

NM_080473.5(GATA5):c.328G>A (p.Gly110Ser)

Gene: GATA5 (GATA binding protein 5; minus strand). Cytogenetic location: 20q13.33.
Variant type: single nucleotide variant.
Coding change: c.328G>A on transcript NM_080473.5 (MANE Select); coding-DNA position 328, G replaced by A.
Protein change: p.Gly110Ser; replaces glycine 110 with serine.
Molecular consequence: missense variant.
Genome position (GRCh38, 1-based): chr20:62,475,194, C>T on the plus strand (G>A on the coding strand, the complement: GATA5 is on the minus strand). VCF-style: chr20-62475194-C-T. GRCh37 (hg19) VCF-style: chr20-61050250-C-T.
Other names: c.328G>A (NM_080473.4); short protein forms G110S.
Identifiers: ClinVar variation 2868576 (VCV002868576.5), dbSNP rs1373761742, ClinGen allele CA409556710.